The following is an entry in ClinVar:

ClinVar aggregate classification (germline): Uncertain significance (1 of 4 stars; one submission).

Conditions:
HNRNPD-related disorder. Also called: HNRNPD-related condition.

Submission:

PreventionGenetics, part of Exact Sciences
Classification: Uncertain significance for HNRNPD-related condition. Last evaluated: 2026-08-25. Review status: criteria provided, single submitter. Criteria: ACMG Guidelines, 2015. Collection method: clinical testing. Allele origin: germline.
Comment: The HNRNPD c.460-10A>G variant is predicted to interfere with splicing. This impact on splicing is based on a computational splicing prediction program; however, the impact of this variant has not been functionally validated (SpliceAI, Jaganathan et al. 2019. PubMed ID: 30661751). To our knowledge, this variant has not been reported in the literature or in a large population database (gnomAD), indicating this variant is rare. At this time, the clinical significance of this variant is uncertain due to the absence of conclusive functional and genetic evidence.

NM_031370.3(HNRNPD):c.460-10A>G

Gene: HNRNPD (heterogeneous nuclear ribonucleoprotein D; minus strand). Cytogenetic location: 4q21.22.
Variant type: single nucleotide variant.
Coding change: c.460-10A>G on transcript NM_031370.3 (MANE Select); 10 bases into the intron before coding-DNA position 460, A replaced by G.
Molecular consequence: intron variant.
Genome position (GRCh38, 1-based): chr4:82,358,830, T>C on the plus strand (A>G on the coding strand, the complement: HNRNPD is on the minus strand). VCF-style: chr4-82358830-T-C. GRCh37 (hg19) VCF-style: chr4-83279983-T-C.
Other names: c.403-10A>G (NM_001003810.2, NM_031369.3); c.460-10A>G (NM_002138.4).
Identifiers: ClinVar variation 4982928 (VCV004982928.1).
Genomic context (GRCh38, chr4:82,358,830, plus strand): 5'-TTTAGGATCAATCACCTTCCCATTCAATTTATGTTCTTTTTGATCCATGACCTAAGGAAA[T>C]TGAAGTTTTCATTTAAAAAATATATATCTTAACTGAAGTTCAGAGACTATTAACTTACTT-3'